The following is an entry in ClinVar:

ClinVar aggregate classification (germline): Uncertain significance (1 of 4 stars; one submission).

Conditions:
Brody myopathy. Also called: BRODY DISEASE. Identifiers: Orphanet 53347, MedGen C1832918, MONDO:0010977, OMIM 601003.

Submission:

Labcorp Genetics (formerly Invitae), Labcorp
Classification: Uncertain significance for Brody myopathy. Last evaluated: 2022-03-23. Review status: criteria provided, single submitter. Criteria: Invitae Variant Classification Sherloc (09022015). Collection method: clinical testing. Allele origin: germline.
Comment: In summary, the available evidence is currently insufficient to determine the role of this variant in disease. Therefore, it has been classified as a Variant of Uncertain Significance. ClinVar contains an entry for this variant (Variation ID: 834150). Algorithms developed to predict the effect of missense changes on protein structure and function are either unavailable or do not agree on the potential impact of this missense change (SIFT: "Deleterious"; PolyPhen-2: "Benign"; Align-GVGD: "Class C0"). This sequence change replaces alanine, which is neutral and non-polar, with glycine, which is neutral and non-polar, at codon 847 of the ATP2A1 protein (p.Ala847Gly). This variant is not present in population databases (gnomAD no frequency). This variant has not been reported in the literature in individuals affected with ATP2A1-related conditions.

NM_004320.6(ATP2A1):c.2540C>G (p.Ala847Gly)

Gene: ATP2A1 (ATPase sarcoplasmic/endoplasmic reticulum Ca2+ transporting 1; plus strand). Cytogenetic location: 16p11.2.
Variant type: single nucleotide variant.
Coding change: c.2540C>G on transcript NM_004320.6 (MANE Select); coding-DNA position 2540, C replaced by G.
Protein change: p.Ala847Gly; replaces alanine 847 with glycine.
Molecular consequence: missense variant.
Genome position (GRCh38, 1-based): chr16:28,902,595, C>G. VCF-style: chr16-28902595-C-G. GRCh37 (hg19) VCF-style: chr16-28913916-C-G.
Other names: c.2165C>G, p.Ala722Gly (NM_001286075.2); c.2540C>G, p.Ala847Gly (NM_173201.5); short protein forms A847G, A722G.
Identifiers: ClinVar variation 834150 (VCV000834150.10), dbSNP rs1964112718, ClinGen allele CA395414675.